The following is an entry in ClinVar:

ClinVar aggregate classification (germline): Conflicting classifications of pathogenicity. Review status: criteria provided, conflicting classifications (1 of 4 stars). 5 submissions from 5 submitters: Uncertain significance (3); Likely benign (2). Last evaluated 2025-10-19.

Conditions:
Inborn genetic diseases. Identifiers: MedGen C0950123, MeSH D030342.
SRD5A3-congenital disorder of glycosylation. Also called: COLOBOMA, OCULAR, WITH ICHTHYOSIS, BRAIN MALFORMATIONS, AND ENDOCRINE ABNORMALITIES; CDG Iq; Congenital disorder of glycosylation type 1Q; SRD5A3-CDG; Ocular colobomas, ichthyosis, brain malformations and endocrine abnormalities. Identifiers: Orphanet 324737, MedGen C4317224, MONDO:0012885, OMIM 612379.

Allele frequency attached by ClinVar (database versions not stated): gnomAD 0.00002; TOPMed 0.00005.

Submissions (5):

Mayo Clinic Laboratories, Mayo Clinic
Classification: Likely benign. Last evaluated: 2025-10-19. Review status: criteria provided, single submitter. Criteria: ACMG Guidelines, 2015. Collection method: clinical testing. Allele origin: germline. Observed: 1 variant allele.
Comment: BS1, BP4

Blueprint Genetics
Classification: Uncertain significance. Last evaluated: 2024-02-07. Review status: criteria provided, single submitter. Criteria: ACMG Guidelines, 2015. Collection method: clinical testing. Allele origin: germline.

Ambry Genetics
Classification: Likely benign for Inborn genetic diseases. Last evaluated: 2023-12-15. Review status: criteria provided, single submitter. Criteria: Ambry Variant Classification Scheme 2023. Collection method: clinical testing. Allele origin: germline.

Labcorp Genetics (formerly Invitae), Labcorp
Classification: Uncertain significance for SRD5A3-congenital disorder of glycosylation. Last evaluated: 2023-07-07. Review status: criteria provided, single submitter. Criteria: Invitae Variant Classification Sherloc (09022015). Collection method: clinical testing. Allele origin: germline.
Comment: In summary, the available evidence is currently insufficient to determine the role of this variant in disease. Therefore, it has been classified as a Variant of Uncertain Significance. Advanced modeling of protein sequence and biophysical properties (such as structural, functional, and spatial information, amino acid conservation, physicochemical variation, residue mobility, and thermodynamic stability) performed at Invitae indicates that this missense variant is not expected to disrupt SRD5A3 protein function. ClinVar contains an entry for this variant (Variation ID: 899681). This variant has not been reported in the literature in individuals affected with SRD5A3-related conditions. This variant is present in population databases (rs748408459, gnomAD 0.02%). This sequence change replaces glycine, which is neutral and non-polar, with serine, which is neutral and polar, at codon 225 of the SRD5A3 protein (p.Gly225Ser).

Illumina Laboratory Services, Illumina
Classification: Uncertain significance for SRD5A3-congenital disorder of glycosylation. Last evaluated: 2018-01-12. Review status: criteria provided, single submitter. Criteria: ICSL Variant Classification Criteria 13 December 2019. Collection method: clinical testing. Allele origin: germline.

NM_024592.5(SRD5A3):c.673G>A (p.Gly225Ser)

Genes: SRD5A3 (steroid 5 alpha-reductase 3; plus strand), SRD5A3-AS1 (SRD5A3 antisense RNA 1; minus strand). Cytogenetic location: 4q12.
Variant type: single nucleotide variant.
Coding change: c.673G>A on transcript NM_024592.5 (MANE Select); coding-DNA position 673, G replaced by A.
Protein change: p.Gly225Ser; replaces glycine 225 with serine.
Molecular consequence: missense variant.
Genome position (GRCh38, 1-based): chr4:55,367,698, G>A. VCF-style: chr4-55367698-G-A. GRCh37 (hg19) VCF-style: chr4-56233865-G-A.
Other names: p.Gly225Ser; short protein forms G225S.
Identifiers: ClinVar variation 899681 (VCV000899681.11), dbSNP rs748408459, ClinGen allele CA2925358.